The following is an entry in ClinVar:

ClinVar aggregate classification (germline): Pathogenic/Likely pathogenic. Review status: criteria provided, multiple submitters, no conflicts (2 of 4 stars). 5 submissions from 5 submitters: Pathogenic (2); Likely pathogenic (3). Last evaluated 2025-01-22.

Conditions:
Congenital muscular hypertrophy-cerebral syndrome (CDLS2). Also called: Cornelia de Lange syndrome 2; SMC1A-Related Cornelia de Lange Syndrome. Identifiers: Orphanet 199, MedGen C1802395, MONDO:0010370, OMIM 300590.
SMC1A-related disorder. Also called: SMC1A-related condition.

Submissions (5):

GeneDx
Classification: Pathogenic. Last evaluated: 2025-01-22. Review status: criteria provided, single submitter. Criteria: GeneDx Variant Classification Process June 2021. Collection method: clinical testing. Allele origin: germline. Affected: yes.
Comment: Not observed at significant frequency in large population cohorts (gnomAD); In silico analysis supports that this missense variant has a deleterious effect on protein structure/function; Missense variants in this gene are a common cause of disease and they are underrepresented in the general population; This variant is associated with the following publications: (PMID: 24124034, 36246631, 37377026)

Labcorp Genetics (formerly Invitae), Labcorp
Classification: Pathogenic for Congenital muscular hypertrophy-cerebral syndrome. Last evaluated: 2023-03-23. Review status: criteria provided, single submitter. Criteria: Invitae Variant Classification Sherloc (09022015). Collection method: clinical testing. Allele origin: germline.
Comment: For these reasons, this variant has been classified as Pathogenic. This variant disrupts the p.Arg693 amino acid residue in SMC1A. Other variant(s) that disrupt this residue have been determined to be pathogenic (PMID: 19701948). This suggests that this residue is clinically significant, and that variants that disrupt this residue are likely to be disease-causing. Advanced modeling of protein sequence and biophysical properties (such as structural, functional, and spatial information, amino acid conservation, physicochemical variation, residue mobility, and thermodynamic stability) performed at Invitae indicates that this missense variant is not expected to disrupt SMC1A protein function. ClinVar contains an entry for this variant (Variation ID: 159946). This missense change has been observed in individual(s) with Cornelia de Lange syndrome (PMID: 24124034). In at least one individual the variant was observed to be de novo. It has also been observed to segregate with disease in related individuals. This variant is not present in population databases (gnomAD no frequency). This sequence change replaces arginine, which is basic and polar, with glutamine, which is neutral and polar, at codon 693 of the SMC1A protein (p.Arg693Gln).

Blueprint Genetics
Classification: Likely pathogenic for SMC1A-related disorders. Last evaluated: 2021-10-27. Review status: criteria provided, single submitter. Criteria: ACMG Guidelines, 2015. Collection method: clinical testing. Allele origin: germline. Affected: yes. Observed: 1 variant allele.

Genetic Services Laboratory, University of Chicago
Classification: Likely pathogenic for Cornelia de Lange syndrome 2. Last evaluated: 2013-02-08. Review status: criteria provided, single submitter. Criteria: ACMG Guidelines, 2007. Collection method: clinical testing. Allele origin: germline. Inheritance: X-linked inheritance. Affected: yes.

Clinical Genetics Service, Universitary Hospital 12 de Octubre
Classification: Likely pathogenic for Congenital muscular hypertrophy-cerebral syndrome. Review status: criteria provided, single submitter. Criteria: ACMG Guidelines, 2015. Collection method: clinical testing. Allele origin: germline. Affected: yes.

Literature cited by the submitters: PubMed 19701948 (cited by Labcorp Genetics (formerly Invitae), Labcorp); PubMed 24124034 (cited by Labcorp Genetics (formerly Invitae), Labcorp).

NM_006306.4(SMC1A):c.2078G>A (p.Arg693Gln)

Gene: SMC1A (structural maintenance of chromosomes 1A; minus strand). Cytogenetic location: Xp11.22.
Variant type: single nucleotide variant.
Coding change: c.2078G>A on transcript NM_006306.4 (MANE Select); coding-DNA position 2078, G replaced by A.
Protein change: p.Arg693Gln; replaces arginine 693 with glutamine.
Molecular consequence: missense variant.
Genome position (GRCh38, 1-based): chrX:53,405,130, C>T on the plus strand (G>A on the coding strand, the complement: SMC1A is on the minus strand). VCF-style: chrX-53405130-C-T. GRCh37 (hg19) VCF-style: chrX-53432062-C-T.
Other names: c.2012G>A, p.Arg671Gln (NM_001281463.1); short protein forms R693Q, R671Q.
Identifiers: ClinVar variation 159946 (VCV000159946.19), dbSNP rs587784408, ClinGen allele CA272531.
Genomic context (GRCh38, chrX:53,405,130, plus strand): 5'-TTGAGCCGCATCTGCAGTCCATGGGCCTGAGACTGCACCTGACGCAGCTCTGCCTCTTTC[C>T]GTTTTGCCTTCATCTGCTCCTGAAGGGAACAAGAAAGAAGGGCTAGGTGGTAAGGTGGTG-3'
Protein context (NP_006297.2, residues 683-703): EELKEQMKAK[Arg693Gln]KEAELRQVQS